The following is an entry in ClinVar:

NM_001382391.1(CSPP1):c.51C>T (p.Ala17=)

Gene: CSPP1 (centrosome and spindle pole associated protein 1; plus strand). Cytogenetic location: 8q13.1.
Variant type: single nucleotide variant.
Coding change: c.51C>T on transcript NM_001382391.1 (MANE Select); coding-DNA position 51, C replaced by T.
Protein change: p.Ala17=; no amino-acid change (alanine 17 retained).
Molecular consequence: synonymous variant.
Genome position (GRCh38, 1-based): chr8:67,074,303, C>T. VCF-style: chr8-67074303-C-T. GRCh37 (hg19) VCF-style: chr8-67986538-C-T.
Other names: c.51C>T, p.Ala17= (NM_001363131.2, NM_001363132.2, NM_001363133.2); c.159C>T, p.Ala53= (NM_001364869.1, NM_001364870.1, NM_024790.7).
Identifiers: ClinVar variation 386180 (VCV000386180.41), dbSNP rs370003497, ClinGen allele CA4770108.

ClinVar aggregate classification (germline): Likely benign. Review status: criteria provided, multiple submitters, no conflicts (2 of 4 stars). 5 submissions from 5 submitters: Likely benign (5). Last evaluated 2025-10-12.

Conditions:
Joubert syndrome 21 (JBTS21). Identifiers: MedGen C3810212, MONDO:0014288, OMIM 615636.

Allele frequency attached by ClinVar (database versions not stated): ExAC 0.00022; gnomAD 0.00025 and 0.00040; ESP Exome Variant Server 0.00026; gnomAD exomes 0.00028 and 0.00043; TOPMed 0.00043.
gnomAD v4.1: 684 of 1,608,422 alleles (0.043%); highest among the groups gnomAD compares: Non-Finnish European, 0.052%; 1 homozygote.

Submissions (5):

Labcorp Genetics (formerly Invitae), Labcorp
Classification: Likely benign for Joubert syndrome 21. Last evaluated: 2025-10-12. Review status: criteria provided, single submitter. Criteria: Invitae Variant Classification Sherloc (09022015). Collection method: clinical testing. Allele origin: germline.

Blueprint Genetics
Classification: Likely benign. Last evaluated: 2024-11-20. Review status: criteria provided, single submitter. Criteria: ACMG Guidelines, 2015. Collection method: clinical testing. Allele origin: germline.

CeGaT Center for Human Genetics Tuebingen
Classification: Likely benign. Last evaluated: 2023-04-01. Review status: criteria provided, single submitter. Criteria: CeGaT Center For Human Genetics Tuebingen Variant Classification Criteria Version 2. Collection method: clinical testing. Allele origin: germline. Affected: yes. Observed: 2 variant alleles.
Comment: CSPP1: BP4, BP7

GeneDx
Classification: Likely benign. Last evaluated: 2017-07-12. Review status: criteria provided, single submitter. Criteria: GeneDx Variant Classification (06012015). Collection method: clinical testing. Allele origin: germline. Affected: yes.
Comment: This variant is considered likely benign or benign based on one or more of the following criteria: it is a conservative change, it occurs at a poorly conserved position in the protein, it is predicted to be benign by multiple in silico algorithms, and/or has population frequency not consistent with disease.

Genetic Services Laboratory, University of Chicago
Classification: Likely benign. Last evaluated: 2016-02-26. Review status: criteria provided, single submitter. Criteria: ACMG Guidelines, 2015. Collection method: clinical testing. Allele origin: germline. Affected: no.